The following is an entry in ClinVar:

ClinVar aggregate classification (germline): Uncertain significance (1 of 4 stars; one submission).

Submission:

GeneDx
Classification: Uncertain significance. Last evaluated: 2026-03-20. Review status: criteria provided, single submitter. Criteria: GeneDx Variant Classification Process June 2021. Collection method: clinical testing. Allele origin: germline.
Comment: Not observed at significant frequency in large population cohorts (gnomAD); In-frame deletion of 1 amino acid(s) in a non-repeat region; In silico analysis supports a deleterious effect on protein structure/function; Has not been previously published as pathogenic or benign to our knowledge

NM_020987.5(ANK3):c.7837_7839del (p.Ala2613del)

Gene: ANK3 (ankyrin 3; minus strand). Cytogenetic location: 10q21.2.
Variant type: Deletion.
Coding change: c.7837_7839del on transcript NM_020987.5 (MANE Select); coding-DNA positions 7837 to 7839, 3 bases deleted (GCA; older notation c.7837_7839delGCA).
Protein change: p.Ala2613del; deletes alanine 2613.
Molecular consequence: inframe deletion. On other transcripts: intron variant (4).
Genome position (GRCh38, 1-based): chr10:60,073,042-60,073,044, TGC deleted on the plus strand (GCA on the coding strand, the reverse complement: ANK3 is on the minus strand). VCF-style (leftmost placement, unchanged base first): chr10-60073041-GTGC-G. GRCh37 (hg19) VCF-style: chr10-61832799-GTGC-G.
Other names: c.4388-5035_4388-5033del (NM_001204403.2); c.4409-5035_4409-5033del (NM_001204404.2); c.4406-5035_4406-5033del (NM_001320874.2); c.1808-5035_1808-5033del (NM_001149.4); short protein forms A2613del.
Identifiers: ClinVar variation 5009313 (VCV005009313.1).